The following is an entry in ClinVar:

ClinVar aggregate classification (germline): Benign/Likely benign. Review status: criteria provided, multiple submitters, no conflicts (2 of 4 stars). 3 submissions from 3 submitters: Benign (1); Likely benign (2). Last evaluated 2025-03-19.

Conditions:
Hereditary cancer-predisposing syndrome. Also called: Neoplastic Syndromes, Hereditary; Hereditary Cancer Syndrome; Hereditary neoplastic syndrome; Tumor predisposition. Identifiers: Orphanet 140162, MedGen C0027672, MeSH D009386, MONDO:0015356.
Familial thoracic aortic aneurysm and aortic dissection (TAAD). Also called: Thoracic aortic aneurysms and dissections. Identifiers: Orphanet 91387, MedGen C4707243, MONDO:0019625.
Juvenile polyposis syndrome (JPS). Identifiers: Orphanet 2929, MedGen C0345893, MONDO:0017380, OMIM 174900.
Juvenile polyposis/hereditary hemorrhagic telangiectasia syndrome (JPHT). Also called: POLYPOSIS, GENERALIZED JUVENILE, WITH PULMONARY ARTERIOVENOUS MALFORMATION; TELANGIECTASIA, HEREDITARY HEMORRHAGIC, WITH JUVENILE POLYPOSIS COLI; Juvenile Polyposis Syndrome / Hereditary Hemorrhagic Telangiectasia (JPS/HHT); JP/HHT SYNDROME; JUVENILE POLYPOSIS WITH HEREDITARY HEMORRHAGIC TELANGIECTASIA. Identifiers: Orphanet 2929, MedGen C1832942, MONDO:0008278, OMIM 175050.

Submissions (3):

Myriad Genetics, Inc.
Classification: Benign for Juvenile polyposis/hereditary hemorrhagic telangiectasia syndrome. Last evaluated: 2025-03-19. Review status: criteria provided, single submitter. Criteria: Myriad Autosomal Dominant, Autosomal Recessive and X-Linked Classification Criteria (2023). Collection method: clinical testing. Allele origin: unknown.
Comment: This variant is considered benign. This variant is a silent/synonymous amino acid change and it is not expected to impact splicing.

Labcorp Genetics (formerly Invitae), Labcorp
Classification: Likely benign for Juvenile polyposis syndrome. Last evaluated: 2020-08-16. Review status: criteria provided, single submitter. Criteria: Invitae Variant Classification Sherloc (09022015). Collection method: clinical testing. Allele origin: germline.

Ambry Genetics
Classification: Likely benign for Hereditary cancer-predisposing syndrome; Familial thoracic aortic aneurysm and aortic dissection. Last evaluated: 2020-05-13. Review status: criteria provided, single submitter. Criteria: Ambry Variant Classification Scheme 2023. Collection method: clinical testing. Allele origin: germline.

NM_005359.6(SMAD4):c.651T>A (p.Ile217=)

Gene: SMAD4 (SMAD family member 4; plus strand). Cytogenetic location: 18q21.2.
Variant type: single nucleotide variant.
Coding change: c.651T>A on transcript NM_005359.6 (MANE Select); coding-DNA position 651, T replaced by A.
Protein change: p.Ile217=; no amino-acid change (isoleucine 217 retained).
Molecular consequence: synonymous variant.
Genome position (GRCh38, 1-based): chr18:51,054,977, T>A. VCF-style: chr18-51054977-T-A. GRCh37 (hg19) VCF-style: chr18-48581347-T-A.
Identifiers: ClinVar variation 460562 (VCV000460562.13), dbSNP rs997151197, ClinGen allele CA300084651.
Genomic context (GRCh38, chr18:51,054,977, plus strand): 5'-CCCAGCTCTGTTAGCCCCATCTGAGTCTAATGCTACCAGCACTGCCAACTTTCCCAACAT[T>A]CCTGTGGCTTCCACAAGTGAGTTCTAGAATCAGATGTAGTCAGCAAGTTGAGTTTTCCTA-3'
Protein context (NP_005350.1, residues 207-227): NATSTANFPN[Ile217=]PVASTSQPAS